The following is an entry in ClinVar:

ClinVar aggregate classification (germline): Uncertain significance (1 of 4 stars; one submission).

Conditions:
Ehlers-Danlos syndrome, classic type, 1 (EDSCL1). Also called: EHLERS-DANLOS SYNDROME, GRAVIS TYPE; EHLERS-DANLOS SYNDROME, SEVERE CLASSIC TYPE; EDS I; Ehlers-Danlos Syndrome, Classic Type, COL5A1-Related; Ehlers-Danlos syndrome, type 1. Identifiers: MedGen C0268335, MONDO:0019567, OMIM 130000.

Allele frequency attached by ClinVar (database versions not stated): gnomAD exomes below 0.00001.
gnomAD v4.1: 1 of 1,613,958 alleles (0.000062%); highest among the groups gnomAD compares: South Asian, 0.0011%; no homozygotes.

Submission:

Labcorp Genetics (formerly Invitae), Labcorp
Classification: Uncertain significance for Ehlers-Danlos syndrome, classic type, 1. Last evaluated: 2017-04-14. Review status: criteria provided, single submitter. Criteria: Invitae Variant Classification Sherloc (09022015). Collection method: clinical testing. Allele origin: germline.
Comment: This sequence change replaces glycine with glutamic acid at codon 723 of the COL5A2 protein (p.Gly723Glu). The glycine residue is highly conserved and there is a moderate physicochemical difference between glycine and glutamic acid. This variant is not present in population databases (ExAC no frequency) and has not been reported in the literature in individuals with a COL5A2-related disease. Algorithms developed to predict the effect of missense changes on protein structure and function (SIFT, PolyPhen-2, Align-GVGD) all suggest that this variant is likely to be disruptive, but these predictions have not been confirmed by published functional studies. Glycine residues within the Gly-Xaa-Yaa repeats of the triple helix domain are required for the structure and stability of fibrillar collagens (PMID: 7695699, 8218237, 19344236), and missense variants at these glycine residues in COL5A2 are more frequently observed in individuals with disease than in the general population (PMID: 22696272, 23587214). However, the clinical significance of this observation remains uncertain since only a limited number of affected individuals have been described to date. In summary, this variant is a novel missense change that affects a residue critical for protein structure, stability and function. However, the available evidence is currently insufficient to determine its role in disease. Therefore, it has been classified as a Variant of Uncertain Significance.

Literature cited by the submitters: PubMed 7695699; PubMed 8218237; PubMed 19344236; PubMed 22696272; PubMed 23587214.

NM_000393.5(COL5A2):c.2168G>A (p.Gly723Glu)

Gene: COL5A2 (collagen type V alpha 2 chain; minus strand). Cytogenetic location: 2q32.2.
Variant type: single nucleotide variant.
Coding change: c.2168G>A on transcript NM_000393.5 (MANE Select); coding-DNA position 2168, G replaced by A.
Protein change: p.Gly723Glu; replaces glycine 723 with glutamic acid.
Molecular consequence: missense variant.
Genome position (GRCh38, 1-based): chr2:189,058,490, C>T on the plus strand (G>A on the coding strand, the complement: COL5A2 is on the minus strand). VCF-style: chr2-189058490-C-T. GRCh37 (hg19) VCF-style: chr2-189923216-C-T.
Other names: short protein forms G723E.
Identifiers: ClinVar variation 459733 (VCV000459733.10), dbSNP rs1553514920, ClinGen allele CA349875687.